The following is an entry in ClinVar:

NM_000540.3(RYR1):c.10353C>A (p.Phe3451Leu)

Gene: RYR1 (ryanodine receptor 1; plus strand). Cytogenetic location: 19q13.2.
Variant type: single nucleotide variant.
Coding change: c.10353C>A on transcript NM_000540.3 (MANE Select); coding-DNA position 10353, C replaced by A.
Protein change: p.Phe3451Leu; replaces phenylalanine 3451 with leucine.
Molecular consequence: missense variant.
Genome position (GRCh38, 1-based): chr19:38,523,222, C>A. VCF-style: chr19-38523222-C-A. GRCh37 (hg19) VCF-style: chr19-39013862-C-A.
Other names: c.10353C>A, p.Phe3451Leu (NM_001042723.2); short protein forms F3451L.
Identifiers: ClinVar variation 3385526 (VCV003385526.3).

ClinVar aggregate classification (germline): Uncertain significance. Review status: criteria provided, multiple submitters, no conflicts (2 of 4 stars). 3 submissions from 3 submitters: Uncertain significance (3). Last evaluated 2025-09-08.

Conditions:
Malignant hyperthermia, susceptibility to, 1 (MHS1). Also called: Anesthesia related hyperthermia; Malignant hyperpyrexia; Fulminating hyperpyrexia; Pharmacogenic myopathy; Malignant hyperthermia suceptibility 1; RYR1-Related Malignant Hyperthermia Susceptibility. Identifiers: Orphanet 423, MedGen C2930980, MONDO:0007783, OMIM 145600.

Submissions (3):

Color Diagnostics, LLC DBA Color Health
Classification: Uncertain significance for Malignant hyperthermia, susceptibility to, 1. Last evaluated: 2025-09-08. Review status: criteria provided, single submitter. Criteria: ACMG Guidelines, 2015. Collection method: clinical testing. Allele origin: germline.
Comment: This missense variant replaces phenylalanine with leucine at codon 3451 of the RYR1 protein. Computational prediction suggests that this variant may have deleterious impact on protein structure and function. To our knowledge, functional studies have not been reported for this variant. This variant has not been reported in individuals affected with RYR1-related disorders in the literature. This variant has not been identified in the general population by the Genome Aggregation Database (gnomAD). The available evidence is insufficient to determine the role of this variant in disease conclusively. Therefore, this variant is classified as a Variant of Uncertain Significance.

GeneDx
Classification: Uncertain significance. Last evaluated: 2025-06-09. Review status: criteria provided, single submitter. Criteria: GeneDx Variant Classification Process June 2021. Collection method: clinical testing. Allele origin: germline. Affected: yes.
Comment: Not observed at significant frequency in large population cohorts (gnomAD); In silico analysis supports that this missense variant has a deleterious effect on protein structure/function; Has not been previously published as pathogenic or benign to our knowledge

All of Us Research Program, National Institutes of Health
Classification: Uncertain significance for Malignant hyperthermia, susceptibility to, 1. Last evaluated: 2024-06-11. Review status: criteria provided, single submitter. Criteria: ACMG Guidelines, 2015. Collection method: clinical testing. Allele origin: germline. Inheritance: Autosomal dominant inheritance. Observed: 1 variant allele, 1 heterozygote.
Comment: This study involves interpretation of variants in research participants for the purpose of population health screening. Participant phenotype was not available at the time of variant classification. Additional details can be found in publication PMID: 35346344, PMCID: PMC8962531